The following is an entry in ClinVar:

NM_016239.4(MYO15A):c.535G>T (p.Glu179Ter)

Gene: MYO15A (myosin XVA; plus strand). Cytogenetic location: 17p11.2.
Variant type: single nucleotide variant.
Coding change: c.535G>T on transcript NM_016239.4 (MANE Select); coding-DNA position 535, G replaced by T.
Protein change: p.Glu179Ter; replaces glutamic acid 179 with a stop codon.
Molecular consequence: nonsense.
Genome position (GRCh38, 1-based): chr17:18,119,335, G>T. VCF-style: chr17-18119335-G-T. GRCh37 (hg19) VCF-style: chr17-18022649-G-T.
Other names: short protein forms E179*.
Identifiers: ClinVar variation 2736462 (VCV002736462.3), dbSNP rs773996873, ClinGen allele CA398573690.

ClinVar aggregate classification (germline): Pathogenic (1 of 4 stars; one submission).

Submission:

Labcorp Genetics (formerly Invitae), Labcorp
Classification: Pathogenic. Last evaluated: 2023-07-15. Review status: criteria provided, single submitter. Criteria: Invitae Variant Classification Sherloc (09022015). Collection method: clinical testing. Allele origin: germline.
Comment: This sequence change creates a premature translational stop signal (p.Glu179*) in the MYO15A gene. It is expected to result in an absent or disrupted protein product. Loss-of-function variants in MYO15A are known to be pathogenic (PMID: 17546645). This variant is not present in population databases (gnomAD no frequency). This premature translational stop signal has been observed in individual(s) with MYO15A-related disorders (PMID: 25373420). For these reasons, this variant has been classified as Pathogenic.

Literature cited by the submitters: PubMed 17546645; PubMed 25373420.